The following is an entry in ClinVar:

ClinVar aggregate classification (germline): Benign. Review status: criteria provided, multiple submitters, no conflicts (2 of 4 stars). 4 submissions from 4 submitters: Benign (3). 1 of the submissions does not count toward it. Last evaluated 2026-01-25.

Conditions:
ERBIN-related disorder. Also called: ERBIN-related condition.

Allele frequency attached by ClinVar (database versions not stated): gnomAD exomes 0.00043 and 0.00117; ExAC 0.00133; gnomAD 0.00422 and 0.00455; ESP Exome Variant Server 0.00461; 1000 Genomes Project 0.00499; 1000 Genomes Project 30x 0.00500; TOPMed 0.00505.
gnomAD v4.1: 1,296 of 1,608,776 alleles (0.081%); highest among the groups gnomAD compares: African/African-American, 1.4%; 8 homozygotes.

Submissions (4):

Labcorp Genetics (formerly Invitae), Labcorp
Classification: Benign. Last evaluated: 2026-01-25. Review status: criteria provided, single submitter. Criteria: Invitae Variant Classification Sherloc (09022015). Collection method: clinical testing. Allele origin: germline.

Mayo Clinic Laboratories, Mayo Clinic
Classification: Benign. Last evaluated: 2024-08-28. Review status: criteria provided, single submitter. Criteria: ACMG Guidelines, 2015. Collection method: clinical testing. Allele origin: germline. Observed: 3 variant alleles.
Comment: BS1, BS2, BP4

Breakthrough Genomics
Classification: Benign. Review status: criteria provided, single submitter. Criteria: ACMG Guidelines, 2015. Collection method: not provided. Allele origin: germline. Inheritance: Unknown mechanism. Affected: yes.

PreventionGenetics, part of Exact Sciences
Classification: Benign for ERBIN-related condition. Last evaluated: 2019-06-06. Review status: no assertion criteria provided. Collection method: clinical testing. Allele origin: germline. Not counted in ClinVar's aggregate classification.
Comment: This variant is classified as benign based on ACMG/AMP sequence variant interpretation guidelines (Richards et al. 2015 PMID: 25741868, with internal and published modifications).

NM_001253697.2(ERBIN):c.1826T>C (p.Met609Thr)

Gene: ERBIN (erbb2 interacting protein; plus strand). Cytogenetic location: 5q12.3.
Variant type: single nucleotide variant.
Coding change: c.1826T>C on transcript NM_001253697.2 (MANE Select); coding-DNA position 1826, T replaced by C.
Protein change: p.Met609Thr; replaces methionine 609 with threonine.
Molecular consequence: missense variant.
Genome position (GRCh38, 1-based): chr5:66,048,704, T>C. VCF-style: chr5-66048704-T-C. GRCh37 (hg19) VCF-style: chr5-65344532-T-C.
Other names: p.Met609Thr; c.1826T>C, p.Met609Thr (NM_001006600.3, NM_001253698.2, NM_001253699.2 and 1 more transcripts); c.1814T>C, p.Met605Thr (NM_001253701.2); c.1826T>C (NM_001006600.2); short protein forms M605T, M609T.
Identifiers: ClinVar variation 1170085 (VCV001170085.13), dbSNP rs147096101, ClinGen allele CA3286354.
Genomic context (GRCh38, chr5:66,048,704, plus strand): 5'-CCCCCTCACCCCCTTTTCACTAGGAATCTGAAGAACTTTCTTCTGATGAAGAGATGAAAA[T>C]GGCGGAGATGCGACCACCATTAATTGAAACCTCTATTAACCAGCCAAAAGTCGTAGCACT-3'
Protein context (NP_001240626.1, residues 599-619): EELSSDEEMK[Met609Thr]AEMRPPLIET